The following is an entry in ClinVar:

ClinVar aggregate classification (germline): Uncertain significance. Review status: criteria provided, multiple submitters, no conflicts (2 of 4 stars). 2 submissions from 2 submitters: Uncertain significance (2). Last evaluated 2025-03-10.

Conditions:
Bethlem myopathy 1A. Also called: Bethlem Muscular Dystrophy; Bethlem myopathy 1; MYOPATHY, BENIGN CONGENITAL, WITH CONTRACTURES. Identifiers: Orphanet 610, MedGen CN029274, MONDO:0024530, OMIM 158810.

Submissions (2):

Labcorp Genetics (formerly Invitae), Labcorp
Classification: Uncertain significance for Bethlem myopathy 1A. Last evaluated: 2025-03-10. Review status: criteria provided, single submitter. Criteria: Invitae Variant Classification Sherloc (09022015). Collection method: clinical testing. Allele origin: germline.
Comment: This sequence change replaces threonine, which is neutral and polar, with alanine, which is neutral and non-polar, at codon 695 of the COL6A3 protein (p.Thr695Ala). This variant is not present in population databases (gnomAD no frequency). This variant has not been reported in the literature in individuals affected with COL6A3-related conditions. ClinVar contains an entry for this variant (Variation ID: 596691). Invitae Evidence Modeling of protein sequence and biophysical properties (such as structural, functional, and spatial information, amino acid conservation, physicochemical variation, residue mobility, and thermodynamic stability) indicates that this missense variant is not expected to disrupt COL6A3 protein function with a negative predictive value of 95%. In summary, the available evidence is currently insufficient to determine the role of this variant in disease. Therefore, it has been classified as a Variant of Uncertain Significance.

Eurofins Ntd Llc (ga)
Classification: Uncertain significance. Last evaluated: 2018-04-04. Review status: criteria provided, single submitter. Criteria: EGL ClinVar v180209 classification definitions. Collection method: clinical testing. Allele origin: germline. Observed: 1 variant allele, 1 heterozygote.

NM_004369.4(COL6A3):c.2083A>G (p.Thr695Ala)

Gene: COL6A3 (collagen type VI alpha 3 chain; minus strand). Cytogenetic location: 2q37.3.
Variant type: single nucleotide variant.
Coding change: c.2083A>G on transcript NM_004369.4 (MANE Select); coding-DNA position 2083, A replaced by G.
Protein change: p.Thr695Ala; replaces threonine 695 with alanine.
Molecular consequence: missense variant. On other transcripts: intron variant (1).
Genome position (GRCh38, 1-based): chr2:237,379,050, T>C on the plus strand (A>G on the coding strand, the complement: COL6A3 is on the minus strand). VCF-style: chr2-237379050-T-C. GRCh37 (hg19) VCF-style: chr2-238287693-T-C.
Other names: c.862A>G, p.Thr288Ala (NM_057164.5); c.1465A>G, p.Thr489Ala (NM_057165.5, NM_057167.4); c.677-1706A>G (NM_057166.5); short protein forms T695A, T489A, T288A.
Identifiers: ClinVar variation 596691 (VCV000596691.6), dbSNP rs1559258597, ClinGen allele CA351214648.